The following is an entry in ClinVar:

ClinVar aggregate classification (germline): Uncertain significance (1 of 4 stars; one submission).

Conditions:
Lymphoproliferative syndrome 2 (LPFS2). Also called: Combined immunodeficiency due to CD27 deficiency; CD27 DEFICIENCY. Identifiers: Orphanet 238505, MedGen C3554540, MONDO:0014054, OMIM 615122.

Submission:

Labcorp Genetics (formerly Invitae), Labcorp
Classification: Uncertain significance for Lymphoproliferative syndrome 2. Last evaluated: 2022-03-02. Review status: criteria provided, single submitter. Criteria: Invitae Variant Classification Sherloc (09022015). Collection method: clinical testing. Allele origin: germline.
Comment: In summary, the available evidence is currently insufficient to determine the role of this variant in disease. Therefore, it has been classified as a Variant of Uncertain Significance. Algorithms developed to predict the effect of missense changes on protein structure and function output the following: SIFT: "Tolerated"; PolyPhen-2: "Benign"; Align-GVGD: "Class C0". The glutamic acid amino acid residue is found in multiple mammalian species, which suggests that this missense change does not adversely affect protein function. This variant has not been reported in the literature in individuals affected with CD27-related conditions. This variant is not present in population databases (gnomAD no frequency). This sequence change replaces lysine, which is basic and polar, with glutamic acid, which is acidic and polar, at codon 25 of the CD27 protein (p.Lys25Glu).

NM_001242.5(CD27):c.73A>G (p.Lys25Glu)

Genes: CD27 (CD27 molecule; plus strand), CD27-AS1 (CD27 antisense RNA 1; minus strand). Cytogenetic location: 12p13.31.
Variant type: single nucleotide variant.
Coding change: c.73A>G on transcript NM_001242.5 (MANE Select); coding-DNA position 73, A replaced by G.
Protein change: p.Lys25Glu; replaces lysine 25 with glutamic acid.
Molecular consequence: missense variant.
Genome position (GRCh38, 1-based): chr12:6,445,168, A>G. VCF-style: chr12-6445168-A-G. GRCh37 (hg19) VCF-style: chr12-6554334-A-G.
Other names: short protein forms K25E.
Identifiers: ClinVar variation 1471071 (VCV001471071.6), dbSNP rs2136960265, ClinGen allele CA383545025.